The following is an entry in ClinVar:

ClinVar aggregate classification (germline): Pathogenic (1 of 4 stars; one submission).

Conditions:
Glycine encephalopathy. Also called: Non-ketotic hyperglycinemia; Nonketotic hyperglycinemia. Identifiers: Orphanet 407, MedGen C0751748, MONDO:0011612, HP:0008288.

Submission:

Labcorp Genetics (formerly Invitae), Labcorp
Classification: Pathogenic for Glycine encephalopathy. Last evaluated: 2022-09-19. Review status: criteria provided, single submitter. Criteria: Invitae Variant Classification Sherloc (09022015). Collection method: clinical testing. Allele origin: germline.
Comment: This sequence change creates a premature translational stop signal (p.Tyr113Serfs*8) in the GCSH gene. It is expected to result in an absent or disrupted protein product. Loss-of-function variants in GCSH are known to be pathogenic (PMID: 33890291). This variant is not present in population databases (gnomAD no frequency). This variant has not been reported in the literature in individuals affected with GCSH-related conditions. ClinVar contains an entry for this variant (Variation ID: 1000783). Algorithms developed to predict the effect of sequence changes on RNA splicing suggest that this variant may disrupt the consensus splice site. For these reasons, this variant has been classified as Pathogenic.

Literature cited by the submitters: PubMed 33890291.

NM_004483.5(GCSH):c.338_342del (p.Tyr113fs)

Gene: GCSH (glycine cleavage system protein H; minus strand). Cytogenetic location: 16q23.2.
Variant type: Deletion.
Coding change: c.338_342del on transcript NM_004483.5 (MANE Select); coding-DNA positions 338 to 342, 5 bases deleted (ATTCT; older notation c.338_342delATTCT).
Protein change: p.Tyr113fs; shifts the reading frame from tyrosine 113.
Molecular consequence: frameshift variant. On other transcripts: non-coding transcript variant (1).
Genome position (GRCh38, 1-based): chr16:81,084,545-81,084,549, AGAAT deleted on the plus strand (ATTCT on the coding strand, the reverse complement: GCSH is on the minus strand); deleting any 5 consecutive bases within chr16:81,084,545-81,084,552 gives the same sequence; the c. name uses the placement nearest the transcript's 3' end. VCF-style (leftmost placement, unchanged base first): chr16-81084544-GAGAAT-G. GRCh37 (hg19) VCF-style: chr16-81118149-GAGAAT-G.
Other names: short protein forms Y113fs.
Identifiers: ClinVar variation 1000783 (VCV001000783.7), dbSNP rs1972233022, ClinGen allele CA2236859029.